The following is an entry in ClinVar:

NM_001170629.2(CHD8):c.1717-4A>G

Gene: CHD8 (chromodomain helicase DNA binding protein 8; minus strand). Cytogenetic location: 14q11.2.
Variant type: single nucleotide variant.
Coding change: c.1717-4A>G on transcript NM_001170629.2 (MANE Select); 4 bases into the intron before coding-DNA position 1717, A replaced by G.
Molecular consequence: intron variant.
Genome position (GRCh38, 1-based): chr14:21,415,911, T>C on the plus strand (A>G on the coding strand, the complement: CHD8 is on the minus strand). VCF-style: chr14-21415911-T-C. GRCh37 (hg19) VCF-style: chr14-21884070-T-C.
Other names: c.880-4A>G (NM_020920.4).
Identifiers: ClinVar variation 597886 (VCV000597886.40), dbSNP rs191933523, ClinGen allele CA7091717.

ClinVar aggregate classification (germline): Benign/Likely benign. Review status: criteria provided, multiple submitters, no conflicts (2 of 4 stars). 6 submissions from 6 submitters: Benign (3); Likely benign (3). Last evaluated 2026-05-01.

Conditions:
Inborn genetic diseases. Identifiers: MedGen C0950123, MeSH D030342.

Allele frequency attached by ClinVar (database versions not stated): gnomAD exomes 0.00006 and 0.00028; 1000 Genomes Project 0.00020; ExAC 0.00024; ESP Exome Variant Server 0.00025; 1000 Genomes Project 30x 0.00031; gnomAD 0.00040 and 0.00043; TOPMed 0.00045.
gnomAD v4.1: 146 of 1,610,610 alleles (0.0091%); highest among the groups gnomAD compares: East Asian, 0.13%; no homozygotes.

Submissions (6):

CeGaT Center for Human Genetics Tuebingen
Classification: Likely benign. Last evaluated: 2026-05-01. Review status: criteria provided, single submitter. Criteria: CeGaT Center For Human Genetics Tuebingen Variant Classification Criteria Version 2. Collection method: clinical testing. Allele origin: germline. Affected: yes. Observed: 4 variant alleles.
Comment: CHD8: BP4, BS1

Labcorp Genetics (formerly Invitae), Labcorp
Classification: Benign. Last evaluated: 2026-01-04. Review status: criteria provided, single submitter. Criteria: Invitae Variant Classification Sherloc (09022015). Collection method: clinical testing. Allele origin: germline.

Blueprint Genetics
Classification: Likely benign. Last evaluated: 2023-09-04. Review status: criteria provided, single submitter. Criteria: ACMG Guidelines, 2015. Collection method: clinical testing. Allele origin: germline.

GeneDx
Classification: Benign. Last evaluated: 2021-05-03. Review status: criteria provided, single submitter. Criteria: GeneDx Variant Classification Process June 2021. Collection method: clinical testing. Allele origin: germline. Affected: yes.

Ambry Genetics
Classification: Benign for Inborn genetic diseases. Last evaluated: 2020-01-06. Review status: criteria provided, single submitter. Criteria: Ambry Variant Classification Scheme 2023. Collection method: clinical testing. Allele origin: germline.

Eurofins Ntd Llc (ga)
Classification: Likely benign. Last evaluated: 2018-07-12. Review status: criteria provided, single submitter. Criteria: EGL ClinVar v180209 classification definitions. Collection method: clinical testing. Allele origin: germline. Observed: 1 variant allele, 1 heterozygote.